The following is an entry in ClinVar:

ClinVar aggregate classification (germline): Uncertain significance (1 of 4 stars; one submission).

Allele frequency attached by ClinVar (database versions not stated): gnomAD exomes below 0.00001; ExAC 0.00001; gnomAD 0.00001.
gnomAD v4.1: 2 of 1,597,448 alleles (0.00013%); highest among the groups gnomAD compares: Non-Finnish European, 0.00017%; no homozygotes.

Submission:

Labcorp Genetics (formerly Invitae), Labcorp
Classification: Uncertain significance. Last evaluated: 2025-11-04. Review status: criteria provided, single submitter. Criteria: Invitae Variant Classification Sherloc (09022015). Collection method: clinical testing. Allele origin: germline.
Comment: This sequence change replaces glycine, which is neutral and non-polar, with aspartic acid, which is acidic and polar, at codon 376 of the CD46 protein (p.Gly376Asp). This variant also falls at the last nucleotide of exon 12, which is part of the consensus splice site for this exon. This variant is present in population databases (rs752851406, gnomAD 0.002%). This variant has not been reported in the literature in individuals affected with CD46-related conditions. ClinVar contains an entry for this variant (Variation ID: 2999899). An algorithm developed to predict the effect of missense changes on protein structure and function (PolyPhen-2) suggests that this variant is likely to be disruptive. Variants that disrupt the consensus splice site are a relatively common cause of aberrant splicing (PMID: 17576681, 9536098). Algorithms developed to predict the effect of sequence changes on RNA splicing suggest that this variant may disrupt the consensus splice site. In summary, the available evidence is currently insufficient to determine the role of this variant in disease. Therefore, it has been classified as a Variant of Uncertain Significance.

Literature cited by the submitters: PubMed 17576681; PubMed 9536098.

NM_172351.3(CD46):c.1082G>A (p.Gly361Asp)

Gene: CD46 (CD46 molecule; plus strand). Cytogenetic location: 1q32.2.
Variant type: single nucleotide variant.
Coding change: c.1082G>A on transcript NM_172351.3 (MANE Select); coding-DNA position 1082, G replaced by A.
Protein change: p.Gly361Asp; replaces glycine 361 with aspartic acid.
Molecular consequence: missense variant. On other transcripts: intron variant (1).
Genome position (GRCh38, 1-based): chr1:207,785,682, G>A. VCF-style: chr1-207785682-G-A. GRCh37 (hg19) VCF-style: chr1-207959027-G-A.
Other names: c.1127G>A, p.Gly376Asp (NM_002389.4); c.1082G>A, p.Gly361Glu (NM_153826.4); c.1037G>A, p.Gly346Asp (NM_172352.3); c.1037G>A, p.Gly346Glu (NM_172353.3); c.1040G>A, p.Gly347Asp (NM_172355.3); c.1040G>A, p.Gly347Glu (NM_172356.3); c.995G>A, p.Gly332Asp (NM_172357.3); c.1045G>A, p.Gly349Arg (NM_172358.3); and 3 more; short protein forms G332D, G347E, G361E, G376D, G361D, G332E, G376E, G346D.
Identifiers: ClinVar variation 2999899 (VCV002999899.3), dbSNP rs752851406, ClinGen allele CA1371884.